The following is an entry in ClinVar:

ClinVar aggregate classification (germline): Uncertain significance (1 of 4 stars; one submission).

Submission:

GeneDx
Classification: Uncertain significance. Last evaluated: 2025-10-29. Review status: criteria provided, single submitter. Criteria: GeneDx Variant Classification Process June 2021. Collection method: clinical testing. Allele origin: germline.
Comment: Not observed at significant frequency in large population cohorts (gnomAD); In silico analysis suggests that this missense variant does not alter protein structure/function; Has not been previously published as pathogenic or benign to our knowledge

NM_001349338.3(FOXP1):c.412C>A (p.Leu138Ile)

Gene: FOXP1 (forkhead box P1; minus strand). Cytogenetic location: 3p13.
Variant type: single nucleotide variant.
Coding change: c.412C>A on transcript NM_001349338.3 (MANE Select); coding-DNA position 412, C replaced by A.
Protein change: p.Leu138Ile; replaces leucine 138 with isoleucine.
Molecular consequence: missense variant. On other transcripts: non-coding transcript variant (2), intron variant (1).
Genome position (GRCh38, 1-based): chr3:71,053,644, G>T on the plus strand (C>A on the coding strand, the complement: FOXP1 is on the minus strand). VCF-style: chr3-71053644-G-T. GRCh37 (hg19) VCF-style: chr3-71102795-G-T.
Other names: c.412C>A, p.Leu138Ile (NM_001244808.3, NM_001244810.2, NM_001244814.3 and 4 more transcripts); c.112C>A, p.Leu38Ile (NM_001244813.3, NM_001244815.2, NM_001349337.2 and 4 more transcripts); c.283-6549C>A (NM_001244812.3); short protein forms L138I, L38I.
Identifiers: ClinVar variation 3381555 (VCV003381555.2).
Genomic context (GRCh38, chr3:71,053,644, plus strand): 5'-GGGCCCCTGGGTTCTGGGGGAGACAGGCTGGAGGTGGAGGAAGGACAATTACCTGTTGAA[G>T]CATGAGGGCCTGCTGCTGCTGGAGGAGAACCTGGAGCTGCTGAGGGCTCAGCACTTGTTG-3'
Protein context (NP_001336267.1, residues 128-148): VLLQQQQALM[Leu138Ile]QQQQLQEFYK